The following is an entry in ClinVar:

ClinVar aggregate classification (germline): Uncertain significance (1 of 4 stars; one submission).

Conditions:
Leukodystrophy, hypomyelinating, 15. Identifiers: MedGen C4693733, MONDO:0054782, OMIM 617951.

Allele frequency attached by ClinVar (database versions not stated): TOPMed below 0.00001; gnomAD exomes 0.00001 and 0.00002.
gnomAD v4.1: 12 of 1,602,378 alleles (0.00075%); highest among the groups gnomAD compares: Admixed American, 0.0087%; no homozygotes.

Submission:

Baylor Genetics
Classification: Uncertain significance for Leukodystrophy, hypomyelinating, 15. Last evaluated: 2019-03-28. Review status: criteria provided, single submitter. Criteria: ACMG Guidelines, 2015. Collection method: clinical testing. Allele origin: unknown. Affected: yes.
Comment: This variant was determined to be of uncertain significance according to ACMG Guidelines, 2015 [PMID:25741868].

NM_004446.3(EPRS1):c.2789T>C (p.Ile930Thr)

Gene: EPRS1 (glutamyl-prolyl-tRNA synthetase 1; minus strand). Cytogenetic location: 1q41.
Variant type: single nucleotide variant.
Coding change: c.2789T>C on transcript NM_004446.3 (MANE Select); coding-DNA position 2789, T replaced by C.
Protein change: p.Ile930Thr; replaces isoleucine 930 with threonine.
Molecular consequence: missense variant.
Genome position (GRCh38, 1-based): chr1:219,987,391, A>G on the plus strand (T>C on the coding strand, the complement: EPRS1 is on the minus strand). VCF-style: chr1-219987391-A-G. GRCh37 (hg19) VCF-style: chr1-220160733-A-G.
Other names: short protein forms I930T.
Identifiers: ClinVar variation 1028243 (VCV001028243.1), dbSNP rs1235073831, ClinGen allele CA344642946.